The following is an entry in ClinVar:

NM_145262.4(GLYCTK):c.1344C>A (p.Ser448Arg)

Gene: GLYCTK (glycerate kinase; plus strand). Cytogenetic location: 3p21.2.
Variant type: single nucleotide variant.
Coding change: c.1344C>A on transcript NM_145262.4 (MANE Select); coding-DNA position 1344, C replaced by A.
Protein change: p.Ser448Arg; replaces serine 448 with arginine.
Molecular consequence: missense variant. On other transcripts: 3 prime UTR variant (1), non-coding transcript variant (2).
Genome position (GRCh38, 1-based): chr3:52,292,898, C>A. VCF-style: chr3-52292898-C-A. GRCh37 (hg19) VCF-style: chr3-52326914-C-A.
Other names: c.*463C>A (NM_001144951.2); short protein forms S448R.
Identifiers: ClinVar variation 1715786 (VCV001715786.3), dbSNP rs779829581, ClinGen allele CA353075879.

ClinVar aggregate classification (germline): Uncertain significance (1 of 4 stars; one submission).

Submission:

Labcorp Genetics (formerly Invitae), Labcorp
Classification: Uncertain significance. Last evaluated: 2022-08-09. Review status: criteria provided, single submitter. Criteria: Invitae Variant Classification Sherloc (09022015). Collection method: clinical testing. Allele origin: germline.
Comment: This sequence change replaces serine, which is neutral and polar, with arginine, which is basic and polar, at codon 448 of the GLYCTK protein (p.Ser448Arg). This variant is not present in population databases (gnomAD no frequency). This variant has not been reported in the literature in individuals affected with GLYCTK-related conditions. Algorithms developed to predict the effect of missense changes on protein structure and function (SIFT, PolyPhen-2, Align-GVGD) all suggest that this variant is likely to be disruptive. In summary, the available evidence is currently insufficient to determine the role of this variant in disease. Therefore, it has been classified as a Variant of Uncertain Significance.